The following is an entry in ClinVar:

ClinVar aggregate classification (germline): Uncertain significance. Review status: criteria provided, multiple submitters, no conflicts (2 of 4 stars). 4 submissions from 4 submitters: Uncertain significance (4). Last evaluated 2024-09-22.

Conditions:
Cardiovascular phenotype. Identifiers: MedGen CN230736.
Cutis laxa, autosomal recessive, type 1B (ARCL1B). Also called: EFEMP2-Related Cutis Laxa; CUTIS LAXA, AUTOSOMAL RECESSIVE, TYPE IB. Identifiers: Orphanet 90349, MedGen C3280798, MONDO:0013754, OMIM 614437. Disease mechanism: loss of function.

Allele frequency attached by ClinVar (database versions not stated): gnomAD 0.00001 and 0.00004; TOPMed 0.00001; gnomAD exomes 0.00003 and 0.00004; ExAC 0.00010; 1000 Genomes Project 30x 0.00078; 1000 Genomes Project 0.00100.

Submissions (4):

Ambry Genetics
Classification: Uncertain significance for Cardiovascular phenotype. Last evaluated: 2024-09-22. Review status: criteria provided, single submitter. Criteria: Ambry Variant Classification Scheme 2023. Collection method: clinical testing. Allele origin: germline.
Comment: The p.V310M variant (also known as c.928G>A), located in coding exon 8 of the EFEMP2 gene, results from a G to A substitution at nucleotide position 928. The valine at codon 310 is replaced by methionine, an amino acid with highly similar properties. This amino acid position is conserved. In addition, the in silico prediction for this alteration is inconclusive. Based on the available evidence, the clinical significance of this variant remains unclear.

Labcorp Genetics (formerly Invitae), Labcorp
Classification: Uncertain significance for Cutis laxa, autosomal recessive, type 1B. Last evaluated: 2024-04-29. Review status: criteria provided, single submitter. Criteria: Invitae Variant Classification Sherloc (09022015). Collection method: clinical testing. Allele origin: germline.
Comment: This sequence change replaces valine, which is neutral and non-polar, with methionine, which is neutral and non-polar, at codon 310 of the EFEMP2 protein (p.Val310Met). This variant is present in population databases (rs544423133, gnomAD 0.03%). This variant has not been reported in the literature in individuals affected with EFEMP2-related conditions. ClinVar contains an entry for this variant (Variation ID: 1041739). Advanced modeling of protein sequence and biophysical properties (such as structural, functional, and spatial information, amino acid conservation, physicochemical variation, residue mobility, and thermodynamic stability) performed at Invitae indicates that this missense variant is not expected to disrupt EFEMP2 protein function with a negative predictive value of 80%. In summary, the available evidence is currently insufficient to determine the role of this variant in disease. Therefore, it has been classified as a Variant of Uncertain Significance.

Blueprint Genetics
Classification: Uncertain significance. Last evaluated: 2023-11-08. Review status: criteria provided, single submitter. Criteria: ACMG Guidelines, 2015. Collection method: clinical testing. Allele origin: germline.

Center for Genomics, Ann and Robert H. Lurie Children's Hospital of Chicago
Classification: Uncertain significance for Cutis laxa, autosomal recessive, type 1B. Last evaluated: 2022-08-16. Review status: criteria provided, single submitter. Criteria: ACMG Guidelines, 2015. Collection method: clinical testing. Allele origin: germline.
Comment: This variant has not been reported in the literature but is present in the Genome Aggregation Database (Highest reported MAF: 0.02% [6/30608]), and in ClinVar (Variation ID:1041739). Evolutionary conservation and computational predictive tools for this variant are unclear. In summary, data on this variant is insufficient for disease classification. Therefore, the clinical significance of this variant is uncertain.

NM_016938.5(EFEMP2):c.928G>A (p.Val310Met)

Gene: EFEMP2 (EGF-like fibulin extracellular matrix protein 2; minus strand). Cytogenetic location: 11q13.1.
Variant type: single nucleotide variant.
Coding change: c.928G>A on transcript NM_016938.5 (MANE Select); coding-DNA position 928, G replaced by A.
Protein change: p.Val310Met; replaces valine 310 with methionine.
Molecular consequence: missense variant. On other transcripts: non-coding transcript variant (1).
Genome position (GRCh38, 1-based): chr11:65,868,341, C>T on the plus strand (G>A on the coding strand, the complement: EFEMP2 is on the minus strand). VCF-style: chr11-65868341-C-T. GRCh37 (hg19) VCF-style: chr11-65635812-C-T.
Other names: c.928G>A (NM_016938.4); short protein forms V310M.
Identifiers: ClinVar variation 1041739 (VCV001041739.10), dbSNP rs544423133, ClinGen allele CA6110484.
Genomic context (GRCh38, chr11:65,868,341, plus strand): 5'-TCGAATTGACTCACTTCTCAGAGACCTGGATGTAGGGCTCCACGCAGCGGTTGGTGTCCA[C>T]GCAGCGGTAGCCCCCATGGAAGTTGACACAGGTTTGGGCCTCGGAGCACTGGTGCGCACC-3'
Protein context (NP_058634.4, residues 300-320): CVNFHGGYRC[Val310Met]DTNRCVEPYI